The following is an entry in ClinVar:

NM_015102.5(NPHP4):c.2817+6G>A

Gene: NPHP4 (nephrocystin 4; minus strand). Cytogenetic location: 1p36.31.
Variant type: single nucleotide variant.
Coding change: c.2817+6G>A on transcript NM_015102.5 (MANE Select); 6 bases into the intron after coding-DNA position 2817, G replaced by A.
Molecular consequence: intron variant.
Genome position (GRCh38, 1-based): chr1:5,877,087, C>T on the plus strand (G>A on the coding strand, the complement: NPHP4 is on the minus strand). VCF-style: chr1-5877087-C-T. GRCh37 (hg19) VCF-style: chr1-5937147-C-T.
Other names: c.1281+6G>A (NM_001291594.2); c.1278+6G>A (NM_001291593.2).
Identifiers: ClinVar variation 1060480 (VCV001060480.7), dbSNP rs1642683309, ClinGen allele CA1151213664.

ClinVar aggregate classification (germline): Uncertain significance (1 of 4 stars; one submission).

Conditions:
Nephronophthisis. Also called: Juvenile Nephronophthisis. Identifiers: Orphanet 655, MedGen C0687120, MONDO:0019005, HP:0000090.

Allele frequency attached by ClinVar (database versions not stated): TOPMed below 0.00001.

Submission:

Labcorp Genetics (formerly Invitae), Labcorp
Classification: Uncertain significance for Nephronophthisis. Last evaluated: 2020-10-14. Review status: criteria provided, single submitter. Criteria: Invitae Variant Classification Sherloc (09022015). Collection method: clinical testing. Allele origin: germline.
Comment: This variant has not been reported in the literature in individuals with NPHP4-related conditions. Nucleotide substitutions within the consensus splice site are a relatively common cause of aberrant splicing (PMID: 17576681, 9536098). Algorithms developed to predict the effect of sequence changes on RNA splicing suggest that this variant is not likely to affect RNA splicing, but this prediction has not been confirmed by published transcriptional studies. In summary, the available evidence is currently insufficient to determine the role of this variant in disease. Therefore, it has been classified as a Variant of Uncertain Significance. This sequence change falls in intron 20 of the NPHP4 gene. It does not directly change the encoded amino acid sequence of the NPHP4 protein, but it affects a nucleotide within the consensus splice site of the intron. This variant is not present in population databases (ExAC no frequency).

Literature cited by the submitters: PubMed 17576681; PubMed 9536098.